The following is an entry in ClinVar:

NC_000002.11:g.(230680025_230683079)_(230744845_230786595)dup

Gene: TRIP12 (thyroid hormone receptor interactor 12; minus strand). Cytogenetic location: 2q36.3.
Variant type: Duplication.
Identifiers: ClinVar variation 3768274 (VCV003768274.1).

ClinVar aggregate classification (germline): Uncertain significance (1 of 4 stars; one submission).

Submission:

Women's Health and Genetics/Laboratory Corporation of America, LabCorp
Classification: Uncertain significance. Last evaluated: 2024-12-04. Review status: criteria provided, single submitter. Criteria: LabCorp Variant Classification Summary - May 2015. Collection method: clinical testing. Allele origin: germline.
Comment: Variant summary: The variant involves the duplication of exons 2-9 in the TRIP12 gene. A presumed nomenclature of c.(-50+1_-49-1)_(1599+1_1600-1)dup has been designated for the purposes of this classification. The exact breakpoint at the 5' end of this variant is unknown, therefore this duplication may extend upstream of the annotated region of this gene. It is predicted to duplicate a segment including the initiation codon, therefore its impact on the encoded protein is unknown. The variant was absent in 21694 control chromosomes in the gnomAD database (Structural Variants v2.1 dataset). The available data on variant occurrences in the general population are insufficient to allow any conclusion about variant significance. To our knowledge, no occurrence of duplication of exons 2-9 in individuals affected with Clark-Baraitser Syndrome and no experimental evidence demonstrating its impact on protein function have been reported. No submitters have cited clinical-significance assessments for this variant to ClinVar. Based on the evidence outlined above, the variant was classified as uncertain significance.